The following is an entry in ClinVar:

ClinVar aggregate classification (germline): Uncertain significance (1 of 4 stars; one submission).

Conditions:
Inborn genetic diseases. Identifiers: MedGen C0950123, MeSH D030342.

gnomAD v4.1: 18 of 1,614,082 alleles (0.0011%); highest among the groups gnomAD compares: Admixed American, 0.0017%; no homozygotes.

Submission:

Ambry Genetics
Classification: Uncertain significance for Inborn genetic diseases. Last evaluated: 2026-01-20. Review status: criteria provided, single submitter. Criteria: Ambry Variant Classification Scheme 2023. Collection method: clinical testing. Allele origin: germline.
Comment: The c.814C>A (p.L272M) alteration is located in exon 6 (coding exon 6) of the ITGB3 gene. This alteration results from a C to A substitution at nucleotide position 814, causing the leucine (L) at amino acid position 272 to be replaced by a methionine (M). Based on data from gnomAD, the A allele has an overall frequency of 0.002% (5/251396) total alleles studied. The highest observed frequency was 0.004% (4/113700) of European (non-Finnish) alleles. Based on insufficient or conflicting evidence, the clinical significance of this alteration remains unclear.

NM_000212.3(ITGB3):c.814C>A (p.Leu272Met)

Genes: ITGB3 (integrin subunit beta 3; plus strand), LOC130061045 (ATAC-STARR-seq lymphoblastoid active region 12309; plus strand). Cytogenetic location: 17q21.32.
Variant type: single nucleotide variant.
Coding change: c.814C>A on transcript NM_000212.3 (MANE Select); coding-DNA position 814, C replaced by A.
Protein change: p.Leu272Met; replaces leucine 272 with methionine.
Molecular consequence: missense variant.
Genome position (GRCh38, 1-based): chr17:47,287,106, C>A. VCF-style: chr17-47287106-C-A. GRCh37 (hg19) VCF-style: chr17-45364472-C-A.
Other names: short protein forms L272M.
Identifiers: ClinVar variation 4831694 (VCV004831694.1).